The following is an entry in ClinVar:

ClinVar aggregate classification (germline): Benign/Likely benign. Review status: criteria provided, multiple submitters, no conflicts (2 of 4 stars). 6 submissions from 6 submitters: Benign (5); Likely benign (1). Last evaluated 2026-02-02.

Conditions:
Hereditary insensitivity to pain with anhidrosis (CIPA). Also called: NEUROPATHY, CONGENITAL SENSORY, WITH ANHIDROSIS; hereditary sensory and autonomic neuropathy type 4; FAMILIAL DYSAUTONOMIA, TYPE II; NTRK1 Congenital Insensitivity to Pain with Anhidrosis; INSENSITIVITY TO PAIN, CONGENITAL, WITH ANHIDROSIS; HSAN Type IV. Identifiers: Orphanet 642, MedGen C0020074, MONDO:0009746, OMIM 256800.

Allele frequency attached by ClinVar (database versions not stated): ESP Exome Variant Server 0.00023; gnomAD exomes 0.00287 and 0.01269; TOPMed 0.00704; ExAC 0.01038; 1000 Genomes Project 30x 0.02826; 1000 Genomes Project 0.02975.
gnomAD v4.1: 5,400 of 1,612,242 alleles (0.33%); highest among the groups gnomAD compares: East Asian, 5.5%; 217 homozygotes.

Submissions (6):

Labcorp Genetics (formerly Invitae), Labcorp
Classification: Benign for Hereditary insensitivity to pain with anhidrosis. Last evaluated: 2026-02-02. Review status: criteria provided, single submitter. Criteria: Invitae Variant Classification Sherloc (09022015). Collection method: clinical testing. Allele origin: germline.

KCCC/NGS Laboratory, Kuwait Cancer Control Center
Classification: Likely benign for Hereditary insensitivity to pain with anhidrosis. Last evaluated: 2023-07-07. Review status: criteria provided, single submitter. Criteria: ACMG Guidelines, 2015. Collection method: clinical testing. Allele origin: germline. Affected: yes.

Genome-Nilou Lab
Classification: Benign for Hereditary insensitivity to pain with anhidrosis. Last evaluated: 2023-04-11. Review status: criteria provided, single submitter. Criteria: ACMG Guidelines, 2015. Collection method: clinical testing. Allele origin: germline. Affected: no.

Illumina Laboratory Services, Illumina
Classification: Benign for Hereditary insensitivity to pain with anhidrosis. Last evaluated: 2018-01-13. Review status: criteria provided, single submitter. Criteria: ICSL Variant Classification Criteria 13 December 2019. Collection method: clinical testing. Allele origin: germline.
Comment: This variant was observed in the ICSL laboratory as part of a predisposition screen in an ostensibly healthy population. It had not been previously curated by ICSL or reported in the Human Gene Mutation Database (HGMD: prior to June 1st, 2018), and was therefore a candidate for classification through an automated scoring system. Utilizing variant allele frequency, disease prevalence and penetrance estimates, and inheritance mode, an automated score was calculated to assess if this variant is too frequent to cause the disease. Based on the score and internal cut-off values, a variant classified as benign is not then subjected to further curation. The score for this variant resulted in a classification of benign for this disease.

GeneDx
Classification: Benign. Last evaluated: 2015-03-03. Review status: criteria provided, single submitter. Criteria: GeneDx Variant Classification Process June 2021. Collection method: clinical testing. Allele origin: germline. Affected: yes.

Breakthrough Genomics
Classification: Benign. Review status: criteria provided, single submitter. Criteria: ACMG Guidelines, 2015. Collection method: not provided. Allele origin: germline. Inheritance: Autosomal recessive inheritance. Affected: yes.

NM_002529.4(NTRK1):c.2047-11G>A

Gene: NTRK1 (neurotrophic receptor tyrosine kinase 1; plus strand). Cytogenetic location: 1q23.1.
Variant type: single nucleotide variant.
Coding change: c.2047-11G>A on transcript NM_002529.4 (MANE Select); 11 bases into the intron before coding-DNA position 2047, G replaced by A.
Molecular consequence: intron variant.
Genome position (GRCh38, 1-based): chr1:156,879,988, G>A. VCF-style: chr1-156879988-G-A. GRCh37 (hg19) VCF-style: chr1-156849780-G-A.
Other names: c.2047-11G>A (NM_002529.3); c.1939-11G>A (NM_001007792.1); c.2029-11G>A (NM_001012331.2).
Identifiers: ClinVar variation 292895 (VCV000292895.17), dbSNP rs79173278, ClinGen allele CA1169554.